The following is an entry in ClinVar:

ClinVar aggregate classification (germline): Uncertain significance (1 of 4 stars; one submission).

Submission:

Labcorp Genetics (formerly Invitae), Labcorp
Classification: Uncertain significance. Last evaluated: 2024-10-26. Review status: criteria provided, single submitter. Criteria: Invitae Variant Classification Sherloc (09022015). Collection method: clinical testing. Allele origin: germline.
Comment: This sequence change replaces glutamic acid, which is acidic and polar, with aspartic acid, which is acidic and polar, at codon 478 of the EFL1 protein (p.Glu478Asp). This variant is present in population databases (no rsID available, gnomAD 0.006%). This variant has not been reported in the literature in individuals affected with EFL1-related conditions. ClinVar contains an entry for this variant (Variation ID: 2189936). An algorithm developed to predict the effect of missense changes on protein structure and function outputs the following: PolyPhen-2: "Benign". The aspartic acid amino acid residue is found in multiple mammalian species, which suggests that this missense change does not adversely affect protein function. In summary, the available evidence is currently insufficient to determine the role of this variant in disease. Therefore, it has been classified as a Variant of Uncertain Significance.

NM_024580.6(EFL1):c.1434G>T (p.Glu478Asp)

Gene: EFL1 (elongation factor like GTPase 1; minus strand). Cytogenetic location: 15q25.2.
Variant type: single nucleotide variant.
Coding change: c.1434G>T on transcript NM_024580.6 (MANE Select); coding-DNA position 1434, G replaced by T.
Protein change: p.Glu478Asp; replaces glutamic acid 478 with aspartic acid.
Molecular consequence: missense variant. On other transcripts: non-coding transcript variant (1).
Genome position (GRCh38, 1-based): chr15:82,220,088, C>A on the plus strand (G>T on the coding strand, the complement: EFL1 is on the minus strand). VCF-style: chr15-82220088-C-A. GRCh37 (hg19) VCF-style: chr15-82512429-C-A.
Other names: c.1281G>T, p.Glu427Asp (NM_001040610.3); c.645G>T, p.Glu215Asp (NM_001322844.2); c.1434G>T, p.Glu478Asp (NM_001322845.2); short protein forms E427D, E215D, E478D.
Identifiers: ClinVar variation 2189936 (VCV002189936.4), dbSNP rs2292189, ClinGen allele CA393284635.